The following is an entry in ClinVar:

ClinVar aggregate classification (germline): Uncertain significance. Review status: criteria provided, multiple submitters, no conflicts (2 of 4 stars). 4 submissions from 4 submitters: Uncertain significance (4). Last evaluated 2025-02-21.

Conditions:
Tuberous sclerosis 1 (TSC1). Identifiers: Orphanet 805, MedGen C1854465, MONDO:0008612, OMIM 191100.
Tuberous sclerosis syndrome (TSC). Also called: Tuberous Sclerosis Complex; Tuberous sclerosis. Identifiers: Orphanet 805, MedGen C0041341, MONDO:0001734.
TSC1-related disorder. Also called: TSC1-related condition.
Isolated focal cortical dysplasia type II (FCORD2). Also called: CORTICAL DYSPLASIA OF TAYLOR; Focal cortical dysplasia type II. Identifiers: Orphanet 268994, MedGen C1846385, MONDO:0011818, OMIM 607341, HP:0032051.

Allele frequency attached by ClinVar (database versions not stated): gnomAD exomes below 0.00001.
gnomAD v4.1: 2 of 1,614,214 alleles (0.00012%); highest among the groups gnomAD compares: East Asian, 0.0022%; no homozygotes.

Submissions (4):

PreventionGenetics, part of Exact Sciences
Classification: Uncertain significance for TSC1-related condition. Last evaluated: 2025-02-21. Review status: criteria provided, single submitter. Criteria: ACMG Guidelines, 2015. Collection method: clinical testing. Allele origin: germline.
Comment: The TSC1 c.1805C>T variant is predicted to result in the amino acid substitution p.Pro602Leu. To our knowledge, this variant has not been reported in the literature or in a large population database (gnomAD), indicating this variant is rare. This variant is classified as a variant of uncertain significance in ClinVar. At this time, the clinical significance of this variant is uncertain due to the absence of conclusive functional and genetic evidence.

All of Us Research Program, National Institutes of Health
Classification: Uncertain significance for Tuberous sclerosis syndrome. Last evaluated: 2024-05-14. Review status: criteria provided, single submitter. Criteria: ACMG Guidelines, 2015. Collection method: clinical testing. Allele origin: germline. Inheritance: Autosomal dominant inheritance. Observed: 1 variant allele, 1 heterozygote.
Comment: This missense variant replaces proline with leucine at codon 602 of the TSC1 protein. Computational prediction suggests that this variant may not impact protein structure and function. To our knowledge, functional studies have not been reported for this variant. This variant has not been reported in individuals affected with TSC1-related disorders in the literature. This variant has not been identified in the general population by the Genome Aggregation Database (gnomAD). The available evidence is insufficient to determine the role of this variant in disease conclusively. Therefore, this variant is classified as a Variant of Uncertain Significance.

This study involves interpretation of variants in research participants for the purpose of population health screening. Participant phenotype was not available at the time of variant classification. Additional details can be found in publication PMID: 35346344, PMCID: PMC8962531

Labcorp Genetics (formerly Invitae), Labcorp
Classification: Uncertain significance for Tuberous sclerosis 1. Last evaluated: 2024-01-14. Review status: criteria provided, single submitter. Criteria: Invitae Variant Classification Sherloc (09022015). Collection method: clinical testing. Allele origin: germline.
Comment: This sequence change replaces proline, which is neutral and non-polar, with leucine, which is neutral and non-polar, at codon 602 of the TSC1 protein (p.Pro602Leu). This variant is not present in population databases (gnomAD no frequency). This variant has not been reported in the literature in individuals affected with TSC1-related conditions. ClinVar contains an entry for this variant (Variation ID: 657061). Advanced modeling of protein sequence and biophysical properties (such as structural, functional, and spatial information, amino acid conservation, physicochemical variation, residue mobility, and thermodynamic stability) performed at Invitae indicates that this missense variant is not expected to disrupt TSC1 protein function with a negative predictive value of 95%. In summary, the available evidence is currently insufficient to determine the role of this variant in disease. Therefore, it has been classified as a Variant of Uncertain Significance.

Baylor Genetics
Classification: Uncertain significance for Isolated focal cortical dysplasia type II. Last evaluated: 2023-06-12. Review status: criteria provided, single submitter. Criteria: ACMG Guidelines, 2015. Collection method: clinical testing. Allele origin: unknown.

NM_000368.5(TSC1):c.1805C>T (p.Pro602Leu)

Gene: TSC1 (TSC complex subunit 1; minus strand). Cytogenetic location: 9q34.13.
Variant type: single nucleotide variant.
Coding change: c.1805C>T on transcript NM_000368.5 (MANE Select); coding-DNA position 1805, C replaced by T.
Protein change: p.Pro602Leu; replaces proline 602 with leucine.
Molecular consequence: missense variant.
Genome position (GRCh38, 1-based): chr9:132,905,773, G>A on the plus strand (C>T on the coding strand, the complement: TSC1 is on the minus strand). VCF-style: chr9-132905773-G-A. GRCh37 (hg19) VCF-style: chr9-135781160-G-A.
Other names: c.1802C>T, p.Pro601Leu (NM_001162426.2); c.1652C>T, p.Pro551Leu (NM_001162427.2); c.1442C>T, p.Pro481Leu (NM_001362177.2); short protein forms P602L, P551L, P481L, P601L.
Identifiers: ClinVar variation 657061 (VCV000657061.11), dbSNP rs1588309097, ClinGen allele CA375363396.